The following is an entry in ClinVar:

ClinVar aggregate classification (germline): Likely benign. Review status: criteria provided, multiple submitters, no conflicts (2 of 4 stars). 2 submissions from 2 submitters: Likely benign (2). Last evaluated 2023-02-01.

Conditions:
Sandhoff disease. Also called: GM2-GANGLIOSIDOSIS, TYPE II; HEXOSAMINIDASES A AND B DEFICIENCY; Beta-hexosaminidase-beta-subunit deficiency; GM2 gangliosidosis, type 2; Total hexosaminidase deficiency; Sandhoff-Jatzkewitz-Pilz disease. Identifiers: Orphanet 796, MedGen C0036161, MONDO:0010006, OMIM 268800.

Allele frequency attached by ClinVar (database versions not stated): gnomAD exomes below 0.00001.
gnomAD v4.1: 3 of 1,589,926 alleles (0.00019%); highest among the groups gnomAD compares: Non-Finnish European, 0.00026%; no homozygotes.

Submissions (2):

CeGaT Center for Human Genetics Tuebingen
Classification: Likely benign. Last evaluated: 2023-02-01. Review status: criteria provided, single submitter. Criteria: CeGaT Center For Human Genetics Tuebingen Variant Classification Criteria Version 2. Collection method: clinical testing. Allele origin: germline. Affected: yes. Observed: 1 variant allele.
Comment: HEXB: PM2:Supporting, BP4, BP7

Labcorp Genetics (formerly Invitae), Labcorp
Classification: Likely benign for Sandhoff disease. Last evaluated: 2022-03-27. Review status: criteria provided, single submitter. Criteria: Invitae Variant Classification Sherloc (09022015). Collection method: clinical testing. Allele origin: germline.

NM_000521.4(HEXB):c.117G>T (p.Val39=)

Gene: HEXB (hexosaminidase subunit beta; plus strand). Cytogenetic location: 5q13.3.
Variant type: single nucleotide variant.
Coding change: c.117G>T on transcript NM_000521.4 (MANE Select); coding-DNA position 117, G replaced by T.
Protein change: p.Val39=; no amino-acid change (valine 39 retained).
Molecular consequence: synonymous variant. On other transcripts: intron variant (1).
Genome position (GRCh38, 1-based): chr5:74,685,377, G>T. VCF-style: chr5-74685377-G-T. GRCh37 (hg19) VCF-style: chr5-73981202-G-T.
Other names: c.-376-3951G>T (NM_001292004.2).
Identifiers: ClinVar variation 2118134 (VCV002118134.32), dbSNP rs2478686769, ClinGen allele CA444849843.